The following is an entry in ClinVar:

ClinVar aggregate classification (germline): Conflicting classifications of pathogenicity. Review status: criteria provided, conflicting classifications (1 of 4 stars). 4 submissions from 4 submitters: Uncertain significance (3); Likely benign (1). Last evaluated 2026-02-01.

Conditions:
Congenital primary aphakia. Also called: Anterior segment dysgenesis 2, multiple subtypes; ANTERIOR SEGMENT DYSGENESIS 2. Identifiers: Orphanet 83461, MedGen C1853230, MONDO:0012456, OMIM 610256.
Anterior segment dysgenesis. Also called: Ocular anterior segment dysgenesis. Identifiers: Orphanet 88632, MedGen C1862839, MONDO:0019503, HP:0007700.
Cardiovascular phenotype. Identifiers: MedGen CN230736.
Familial thoracic aortic aneurysm and aortic dissection (TAAD). Also called: Thoracic aortic aneurysms and dissections. Identifiers: Orphanet 91387, MedGen C4707243, MONDO:0019625.

Allele frequency attached by ClinVar (database versions not stated): gnomAD 0.00029 and 0.00032; TOPMed 0.00029; 1000 Genomes Project 0.00060; 1000 Genomes Project 30x 0.00078.
gnomAD v4.1: 189 of 1,326,386 alleles (0.014%); highest among the groups gnomAD compares: African/African-American, 0.077%; 1 homozygote.

Submissions (4):

Labcorp Genetics (formerly Invitae), Labcorp
Classification: Uncertain significance for Anterior segment dysgenesis; Congenital primary aphakia. Last evaluated: 2026-02-01. Review status: criteria provided, single submitter. Criteria: Invitae Variant Classification Sherloc (09022015). Collection method: clinical testing. Allele origin: germline.
Comment: This sequence change replaces glycine, which is neutral and non-polar, with arginine, which is basic and polar, at codon 207 of the FOXE3 protein (p.Gly207Arg). The frequency data for this variant in the population databases is considered unreliable, as metrics indicate poor data quality at this position in the gnomAD database. This variant has not been reported in the literature in individuals affected with FOXE3-related conditions. ClinVar contains an entry for this variant (Variation ID: 939305). An algorithm developed to predict the effect of missense changes on protein structure and function outputs the following: PolyPhen-2: "Benign". The arginine amino acid residue is found in multiple mammalian species, which suggests that this missense change does not adversely affect protein function. In summary, the available evidence is currently insufficient to determine the role of this variant in disease. Therefore, it has been classified as a Variant of Uncertain Significance.

Ambry Genetics
Classification: Uncertain significance for Cardiovascular phenotype. Last evaluated: 2025-08-01. Review status: criteria provided, single submitter. Criteria: Ambry Variant Classification Scheme 2023. Collection method: clinical testing. Allele origin: germline.

Blueprint Genetics
Classification: Uncertain significance. Last evaluated: 2024-10-09. Review status: criteria provided, single submitter. Criteria: ACMG Guidelines, 2015. Collection method: clinical testing. Allele origin: germline.

CHEO Genetics Diagnostic Laboratory, Children's Hospital of Eastern Ontario
Classification: Likely benign for Familial thoracic aortic aneurysm and aortic dissection. Last evaluated: 2023-04-24. Review status: criteria provided, single submitter. Criteria: ACMG Guidelines, 2015. Collection method: clinical testing. Allele origin: germline.

NM_012186.3(FOXE3):c.619G>A (p.Gly207Arg)

Genes: FOXE3 (forkhead box E3; plus strand), LINC01389 (long independently transcribed non-coding RNA 1389; minus strand). Cytogenetic location: 1p33.
Variant type: single nucleotide variant.
Coding change: c.619G>A on transcript NM_012186.3 (MANE Select); coding-DNA position 619, G replaced by A.
Protein change: p.Gly207Arg; replaces glycine 207 with arginine.
Molecular consequence: missense variant.
Genome position (GRCh38, 1-based): chr1:47,416,934, G>A. VCF-style: chr1-47416934-G-A. GRCh37 (hg19) VCF-style: chr1-47882606-G-A.
Other names: short protein forms G207R.
Identifiers: ClinVar variation 939305 (VCV000939305.14), dbSNP rs560327746, ClinGen allele CA22069157.